The following is an entry in ClinVar:

NM_002474.3(MYH11):c.5013C>A (p.Ile1671=)

Genes: NDE1 (nudE neurodevelopment protein 1; plus strand), MYH11 (myosin heavy chain 11; minus strand). Cytogenetic location: 16p13.11.
Variant type: single nucleotide variant.
Coding change: c.5013C>A on transcript NM_002474.3 (MANE Select); coding-DNA position 5013, C replaced by A.
Protein change: p.Ile1671=; no amino-acid change (isoleucine 1671 retained).
Molecular consequence: synonymous variant. On other transcripts: intron variant (2).
Genome position (GRCh38, 1-based): chr16:15,719,654, G>T on the plus strand (C>A on the coding strand, the complement: MYH11 is on the minus strand). VCF-style: chr16-15719654-G-T. GRCh37 (hg19) VCF-style: chr16-15813511-G-T.
Other names: c.5034C>A, p.Ile1678= (NM_001040113.2, NM_001040114.2); c.5013C>A, p.Ile1671= (NM_022844.3); c.948-4537G>T (NM_001143979.2, NM_017668.3).
Identifiers: ClinVar variation 2762497 (VCV002762497.6), dbSNP rs772418529, ClinGen allele CA7921471.

ClinVar aggregate classification (germline): Likely benign. Review status: criteria provided, multiple submitters, no conflicts (2 of 4 stars). 4 submissions from 4 submitters: Likely benign (4). Last evaluated 2024-03-02.

Conditions:
Aortic aneurysm, familial thoracic 4 (AAT4). Also called: AORTIC ANEURYSM/AORTIC DISSECTION AND PATENT DUCTUS ARTERIOSUS. Identifiers: MedGen C1851504, MONDO:0007568, OMIM 132900.
Familial thoracic aortic aneurysm and aortic dissection (TAAD). Also called: Thoracic aortic aneurysms and dissections. Identifiers: Orphanet 91387, MedGen C4707243, MONDO:0019625.

Allele frequency attached by ClinVar (database versions not stated): ExAC 0.00002.
gnomAD v4.1: 5 of 1,614,194 alleles (0.00031%); highest among the groups gnomAD compares: Middle Eastern, 0.016%; no homozygotes.

Submissions (4):

Ambry Genetics
Classification: Likely benign for Familial thoracic aortic aneurysm and aortic dissection. Last evaluated: 2024-03-02. Review status: criteria provided, single submitter. Criteria: Ambry Variant Classification Scheme 2023. Collection method: clinical testing. Allele origin: germline.

All of Us Research Program, National Institutes of Health
Classification: Likely benign for Familial thoracic aortic aneurysm and aortic dissection. Last evaluated: 2023-07-22. Review status: criteria provided, single submitter. Criteria: ACMG Guidelines, 2015. Collection method: clinical testing. Allele origin: germline. Inheritance: Autosomal dominant inheritance. Observed: 1 variant allele, 1 heterozygote.
Comment: This study involves interpretation of variants in research participants for the purpose of population health screening. Participant phenotype was not available at the time of variant classification. Additional details can be found in publication PMID: 35346344, PMCID: PMC8962531

Labcorp Genetics (formerly Invitae), Labcorp
Classification: Likely benign for Aortic aneurysm, familial thoracic 4. Last evaluated: 2022-11-14. Review status: criteria provided, single submitter. Criteria: Invitae Variant Classification Sherloc (09022015). Collection method: clinical testing. Allele origin: germline.

Color Diagnostics, LLC DBA Color Health
Classification: Likely benign for Familial thoracic aortic aneurysm and aortic dissection. Last evaluated: 2022-11-06. Review status: criteria provided, single submitter. Criteria: ACMG Guidelines, 2015. Collection method: clinical testing. Allele origin: germline.